The following is an entry in ClinVar:

ClinVar aggregate classification (germline): Pathogenic/Likely pathogenic. Review status: criteria provided, multiple submitters, no conflicts (2 of 4 stars). 2 submissions from 2 submitters: Pathogenic (1); Likely pathogenic (1). Last evaluated 2024-05-23.

Conditions:
Muscular dystrophy-dystroglycanopathy (congenital with brain and eye anomalies), type A1 (MDDGA1). Also called: COD-MD SYNDROME; Muscular dystrophy-dystroglycanopathy (congenital with brain and eye anomalies), type A, 1; WALKER-WARBURG SYNDROME OR MUSCLE-EYE-BRAIN DISEASE, POMT1-RELATED; Hydrocephalus, agyria and retinal dysplasia; Hard +/- E syndrome; Warburg syndrome. Identifiers: Orphanet 588, Orphanet 899, MedGen C4284790, MONDO:0009364, OMIM 236670.
Muscular dystrophy-dystroglycanopathy (congenital with impaired intellectual development), type B, 1. Also called: MUSCULAR DYSTROPHY, CONGENITAL, POMT1-RELATED; Muscular dystrophy-dystroglycanopathy (congenital with intellectual disability), type B1. Identifiers: MedGen C5436962, MONDO:0013159, OMIM 613155.
Autosomal recessive limb-girdle muscular dystrophy type 2K. Also called: MUSCULAR DYSTROPHY-DYSTROGLYCANOPATHY (LIMB-GIRDLE), TYPE C, 1; MUSCULAR DYSTROPHY, LIMB-GIRDLE, TYPE 2K. Identifiers: Orphanet 86812, MedGen C1836373, MONDO:0012248, OMIM 609308.
Walker-Warburg congenital muscular dystrophy. Also called: Muscular dystrophy-dystroglycanopathy, type A; Walker-Warburg syndrome. Identifiers: Orphanet 899, MedGen C0265221, MONDO:0000171.

Allele frequency attached by ClinVar (database versions not stated): TOPMed below 0.00001.

Submissions (2):

Fulgent Genetics
Classification: Likely pathogenic for Muscular dystrophy-dystroglycanopathy (congenital with brain and eye anomalies), type A1; Autosomal recessive limb-girdle muscular dystrophy type 2K; Muscular dystrophy-dystroglycanopathy (congenital with impaired intellectual development), type B, 1. Last evaluated: 2024-05-23. Review status: criteria provided, single submitter. Criteria: ACMG Guidelines, 2015. Collection method: clinical testing. Allele origin: germline.

Labcorp Genetics (formerly Invitae), Labcorp
Classification: Pathogenic for Muscular dystrophy-dystroglycanopathy (congenital with impaired intellectual development), type B, 1; Walker-Warburg congenital muscular dystrophy; Autosomal recessive limb-girdle muscular dystrophy type 2K. Last evaluated: 2023-10-06. Review status: criteria provided, single submitter. Criteria: Invitae Variant Classification Sherloc (09022015). Collection method: clinical testing. Allele origin: germline.
Comment: This sequence change creates a premature translational stop signal (p.Pro531Thrfs*29) in the POMT1 gene. It is expected to result in an absent or disrupted protein product. Loss-of-function variants in POMT1 are known to be pathogenic (PMID: 12369018, 15637732, 16575835). This variant is not present in population databases (gnomAD no frequency). This variant has not been reported in the literature in individuals affected with POMT1-related conditions. For these reasons, this variant has been classified as Pathogenic.

Literature cited by the submitters: PubMed 12369018 (cited by Labcorp Genetics (formerly Invitae), Labcorp); PubMed 15637732 (cited by Labcorp Genetics (formerly Invitae), Labcorp); PubMed 16575835 (cited by Labcorp Genetics (formerly Invitae), Labcorp).

NM_001077365.2(POMT1):c.1524dup (p.Pro509fs)

Gene: POMT1 (protein O-mannosyltransferase 1; plus strand). Cytogenetic location: 9q34.13.
Variant type: Duplication.
Coding change: c.1524dup on transcript NM_001077365.2 (MANE Select); coding-DNA position 1524, one base duplicated (A; older notation c.1524dupA).
Protein change: p.Pro509fs; shifts the reading frame from proline 509.
Molecular consequence: frameshift variant. On other transcripts: non-coding transcript variant (10), intron variant (1).
Genome position (GRCh38, 1-based): chr9:131,519,426, A duplicated. VCF-style (leftmost placement, unchanged base first): chr9-131519425-C-CA. GRCh37 (hg19) VCF-style: chr9-134394812-C-CA.
Other names: c.1362dup, p.Pro455fs (NM_001077366.2, NM_001353194.2); c.1524dup, p.Pro509fs (NM_001136113.2); c.1173dup, p.Pro392fs (NM_001136114.2, NM_001353195.2, NM_001374691.1 and 2 more transcripts); c.1590dup, p.Pro531fs (NM_001353193.2, NM_007171.4); c.1434dup, p.Pro479fs (NM_001353196.2); c.1428dup, p.Pro477fs (NM_001353197.2, NM_001353198.2); c.1239dup, p.Pro414fs (NM_001353199.2); c.1366-654dup (NM_001374690.1); and 5 more; short protein forms P392fs, P357fs, P477fs, P505fs, P379fs, P455fs, P531fs, P132fs.
Identifiers: ClinVar variation 2951312 (VCV002951312.4), dbSNP rs1949455055, ClinGen allele CA1881753600.